The following is an entry in ClinVar:

ClinVar aggregate classification (germline): Pathogenic (1 of 4 stars; one submission).

Conditions:
Neurofibromatosis, type 1 (NF1). Also called: NEUROFIBROMATOSIS, TYPE I, SOMATIC; VON RECKLINGHAUSEN DISEASE; Peripheral type neurofibromatosis; Neurofibromatosis, type I. Identifiers: Orphanet 636, MedGen C0027831, MONDO:0018975, OMIM 162200. Disease mechanism: loss of function.

Submission:

Labcorp Genetics (formerly Invitae), Labcorp
Classification: Pathogenic for Neurofibromatosis, type 1. Last evaluated: 2025-04-30. Review status: criteria provided, single submitter. Criteria: Invitae Variant Classification Sherloc (09022015). Collection method: clinical testing. Allele origin: germline.
Comment: This sequence change creates a premature translational stop signal (p.Pro427*) in the NF1 gene. It is expected to result in an absent or disrupted protein product. Loss-of-function variants in NF1 are known to be pathogenic (PMID: 10712197, 23913538). This variant is not present in population databases (gnomAD no frequency). This variant has not been reported in the literature in individuals affected with NF1-related conditions. For these reasons, this variant has been classified as Pathogenic.

Literature cited by the submitters: PubMed 10712197; PubMed 23913538.

NM_001042492.3(NF1):c.1279_1280del (p.Trp426_Pro427insTer)

Gene: NF1 (neurofibromin 1; plus strand). Cytogenetic location: 17q11.2.
Variant type: Deletion.
Coding change: c.1279_1280del on transcript NM_001042492.3 (MANE Select); coding-DNA positions 1279 to 1280, 2 bases deleted (CC; older notation c.1279_1280delCC).
Protein change: p.Trp426_Pro427insTer.
Molecular consequence: nonsense.
Genome position (GRCh38, 1-based): chr17:31,206,258-31,206,259, CC deleted. VCF-style (leftmost placement, unchanged base first): chr17-31206257-GCC-G. GRCh37 (hg19) VCF-style: chr17-29533275-GCC-G.
Other names: c.1279_1280del, p.Trp426_Pro427insTer (NM_000267.4, NM_001128147.3).
Identifiers: ClinVar variation 4718643 (VCV004718643.1).
Genomic context (GRCh38, chr17:31,206,257, plus strand): 5'-AATTTTGTACTTTTTCTTCCTATTGGTCTTTGTTTTTCTCTAGTCCGCATTGGATTGGTG[GCC>G]TAAGATTGATGCTGTGTATTGTCACTCGGTTGAACTTCGAAATATGTTTGGTGAAACACT-3'